The following is an entry in ClinVar:

NM_006996.3(SLC19A2):c.204+17C>T

Gene: SLC19A2 (solute carrier family 19 member 2; minus strand). Cytogenetic location: 1q24.2.
Variant type: single nucleotide variant.
Coding change: c.204+17C>T on transcript NM_006996.3 (MANE Select); 17 bases into the intron after coding-DNA position 204, C replaced by T.
Molecular consequence: intron variant.
Genome position (GRCh38, 1-based): chr1:169,485,546, G>A on the plus strand (C>T on the coding strand, the complement: SLC19A2 is on the minus strand). VCF-style: chr1-169485546-G-A. GRCh37 (hg19) VCF-style: chr1-169454784-G-A.
Other names: c.204+17C>T (NM_001319667.1).
Identifiers: ClinVar variation 680437 (VCV000680437.4), dbSNP rs909260756, ClinGen allele CA32390535.
Genomic context (GRCh38, chr1:169,485,546, plus strand): 5'-TCGGTCCTCTCTTCCTCCGCTGCCCACCCGCAGGCCGGTCGCCCGCCCTTCCCGCGCCCC[G>A]CGTCCGCCGCGCGTACCTCCCTCTCGGTCAGGTTCTTGTCCGGCCCCAGCAGGTACGGGG-3'

ClinVar aggregate classification (germline): Likely benign. Review status: criteria provided, multiple submitters, no conflicts (2 of 4 stars). 2 submissions from 2 submitters: Likely benign (2). Last evaluated 2024-02-09.

Allele frequency attached by ClinVar (database versions not stated): gnomAD exomes 0.00001 and 0.00002; TOPMed 0.00003; gnomAD 0.00005.
gnomAD v4.1: 14 of 1,573,346 alleles (0.00089%); highest among the groups gnomAD compares: African/African-American, 0.012%; no homozygotes.

Submissions (2):

Labcorp Genetics (formerly Invitae), Labcorp
Classification: Likely benign. Last evaluated: 2024-02-09. Review status: criteria provided, single submitter. Criteria: Invitae Variant Classification Sherloc (09022015). Collection method: clinical testing. Allele origin: germline.

GeneDx
Classification: Likely benign. Last evaluated: 2018-03-30. Review status: criteria provided, single submitter. Criteria: GeneDx Variant Classification (06012015). Collection method: clinical testing. Allele origin: germline. Affected: yes.
Comment: This variant is considered likely benign or benign based on one or more of the following criteria: it is a conservative change, it occurs at a poorly conserved position in the protein, it is predicted to be benign by multiple in silico algorithms, and/or has population frequency not consistent with disease.